The following is an entry in ClinVar:

NM_006206.6(PDGFRA):c.311A>G (p.His104Arg)

Gene: PDGFRA (platelet derived growth factor receptor alpha; plus strand). Cytogenetic location: 4q12.
Variant type: single nucleotide variant.
Coding change: c.311A>G on transcript NM_006206.6 (MANE Select); coding-DNA position 311, A replaced by G.
Protein change: p.His104Arg; replaces histidine 104 with arginine.
Molecular consequence: missense variant.
Genome position (GRCh38, 1-based): chr4:54,261,356, A>G. VCF-style: chr4-54261356-A-G. GRCh37 (hg19) VCF-style: chr4-55127523-A-G.
Other names: c.311A>G, p.His104Arg (NM_001347827.2, NM_001347829.2); c.386A>G, p.His129Arg (NM_001347828.2); c.350A>G, p.His117Arg (NM_001347830.2); c.311A>G (NM_006206.4); short protein forms H104R, H129R, H117R.
Identifiers: ClinVar variation 1045595 (VCV001045595.10), dbSNP rs1722704092, ClinGen allele CA356888903.

ClinVar aggregate classification (germline): Conflicting classifications of pathogenicity. Review status: criteria provided, conflicting classifications (1 of 4 stars). 2 submissions from 2 submitters: Uncertain significance (1); Likely benign (1). Last evaluated 2025-02-06.

Conditions:
Gastrointestinal stromal tumor. Also called: Gastrointestinal stromal tumor, somatic; Gastrointestinal stroma tumor. Identifiers: Orphanet 44890, MedGen C0238198, MeSH D046152, MONDO:0011719, OMIM 606764, HP:0100723.
Hereditary cancer-predisposing syndrome. Also called: Tumor predisposition; Neoplastic Syndromes, Hereditary; Hereditary neoplastic syndrome; Hereditary Cancer Syndrome. Identifiers: Orphanet 140162, MedGen C0027672, MeSH D009386, MONDO:0015356.

Allele frequency attached by ClinVar (database versions not stated): gnomAD exomes below 0.00001.
gnomAD v4.1: 2 of 1,614,130 alleles (0.00012%); highest among the groups gnomAD compares: Non-Finnish European, 0.00017%; no homozygotes.

Submissions (2):

Ambry Genetics
Classification: Likely benign for Hereditary cancer-predisposing syndrome. Last evaluated: 2025-02-06. Review status: criteria provided, single submitter. Criteria: Ambry Variant Classification Scheme 2023. Collection method: clinical testing. Allele origin: germline.

Labcorp Genetics (formerly Invitae), Labcorp
Classification: Uncertain significance for Gastrointestinal stromal tumor. Last evaluated: 2025-02-03. Review status: criteria provided, single submitter. Criteria: Invitae Variant Classification Sherloc (09022015). Collection method: clinical testing. Allele origin: germline.
Comment: This sequence change replaces histidine, which is basic and polar, with arginine, which is basic and polar, at codon 104 of the PDGFRA protein (p.His104Arg). This variant is not present in population databases (gnomAD no frequency). This variant has not been reported in the literature in individuals affected with PDGFRA-related conditions. ClinVar contains an entry for this variant (Variation ID: 1045595). Invitae Evidence Modeling of protein sequence and biophysical properties (such as structural, functional, and spatial information, amino acid conservation, physicochemical variation, residue mobility, and thermodynamic stability) indicates that this missense variant is not expected to disrupt PDGFRA protein function with a negative predictive value of 80%. In summary, the available evidence is currently insufficient to determine the role of this variant in disease. Therefore, it has been classified as a Variant of Uncertain Significance.